The following is an entry in ClinVar:

ClinVar aggregate classification (germline): Benign/Likely benign. Review status: criteria provided, multiple submitters, no conflicts (2 of 4 stars). 6 submissions from 6 submitters: Benign (1); Likely benign (5). Last evaluated 2026-01-21.

Conditions:
Hereditary cancer-predisposing syndrome. Also called: Hereditary Cancer Syndrome; Tumor predisposition; Neoplastic Syndromes, Hereditary; Hereditary neoplastic syndrome. Identifiers: Orphanet 140162, MedGen C0027672, MeSH D009386, MONDO:0015356.
Oligodontia-cancer predisposition syndrome. Also called: TOOTH AGENESIS-COLORECTAL CANCER SYNDROME. Identifiers: Orphanet 300576, MedGen C1837750, MONDO:0012075, OMIM 608615. Disease mechanism: loss of function.

Allele frequency attached by ClinVar (database versions not stated): gnomAD exomes 0.00001.
gnomAD v4.1: 8 of 1,614,256 alleles (0.0005%); highest among the groups gnomAD compares: African/African-American, 0.0013%; no homozygotes.

Submissions (6):

Labcorp Genetics (formerly Invitae), Labcorp
Classification: Likely benign for Oligodontia-cancer predisposition syndrome. Last evaluated: 2026-01-21. Review status: criteria provided, single submitter. Criteria: Invitae Variant Classification Sherloc (09022015). Collection method: clinical testing. Allele origin: germline.

Center for Genomic Medicine, Rigshospitalet, Copenhagen University Hospital
Classification: Likely benign. Last evaluated: 2025-12-29. Review status: criteria provided, single submitter. Criteria: ACMG Guidelines, 2015. Collection method: clinical testing. Allele origin: germline.
Comment: Classification criteria: BP4, BP7

Myriad Genetics, Inc.
Classification: Benign for Oligodontia-cancer predisposition syndrome. Last evaluated: 2024-07-10. Review status: criteria provided, single submitter. Criteria: Myriad Autosomal Dominant, Autosomal Recessive and X-Linked Classification Criteria (2023). Collection method: clinical testing. Allele origin: unknown.
Comment: This variant is considered benign. This variant is a silent/synonymous amino acid change and it is not expected to impact splicing.

CeGaT Center for Human Genetics Tuebingen
Classification: Likely benign. Last evaluated: 2022-04-01. Review status: criteria provided, single submitter. Criteria: CeGaT Center For Human Genetics Tuebingen Variant Classification Criteria Version 2. Collection method: clinical testing. Allele origin: germline. Affected: yes. Observed: 1 variant allele.
Comment: AXIN2: BP4, BP7

Ambry Genetics
Classification: Likely benign for Hereditary cancer-predisposing syndrome. Last evaluated: 2020-04-02. Review status: criteria provided, single submitter. Criteria: Ambry Variant Classification Scheme 2023. Collection method: clinical testing. Allele origin: germline.

GeneDx
Classification: Likely benign. Last evaluated: 2019-10-03. Review status: criteria provided, single submitter. Criteria: GeneDx Variant Classification Process June 2021. Collection method: clinical testing. Allele origin: germline. Affected: yes.

NM_004655.4(AXIN2):c.2262A>C (p.Ala754=)

Gene: AXIN2 (axin 2; minus strand). Cytogenetic location: 17q24.1.
Variant type: single nucleotide variant.
Coding change: c.2262A>C on transcript NM_004655.4 (MANE Select); coding-DNA position 2262, A replaced by C.
Protein change: p.Ala754=; no amino-acid change (alanine 754 retained).
Molecular consequence: synonymous variant.
Genome position (GRCh38, 1-based): chr17:65,534,055, T>G on the plus strand (A>C on the coding strand, the complement: AXIN2 is on the minus strand). VCF-style: chr17-65534055-T-G. GRCh37 (hg19) VCF-style: chr17-63530173-T-G.
Other names: c.2262A>C (LRG_296t1); c.2067A>C, p.Ala689= (NM_001363813.1).
Identifiers: ClinVar variation 533254 (VCV000533254.43), dbSNP rs1060504485, ClinGen allele CA501476006.